The following is an entry in ClinVar:

NM_001370259.2(MEN1):c.1660C>T (p.Gln554Ter)

Gene: MEN1 (menin 1; minus strand). Cytogenetic location: 11q13.1.
Variant type: single nucleotide variant.
Coding change: c.1660C>T on transcript NM_001370259.2 (MANE Select); coding-DNA position 1660, C replaced by T.
Protein change: p.Gln554Ter; replaces glutamine 554 with a stop codon.
Molecular consequence: nonsense.
Genome position (GRCh38, 1-based): chr11:64,804,507, G>A on the plus strand (C>T on the coding strand, the complement: MEN1 is on the minus strand). VCF-style: chr11-64804507-G-A. GRCh37 (hg19) VCF-style: chr11-64571979-G-A.
Other names: p.Q554*:CAG>TAG; c.1675C>T, p.Gln559Ter (NM_000244.4, NM_130800.3, NM_130801.3 and 3 more transcripts); c.1786C>T, p.Gln596Ter (NM_001370251.2); c.1660C>T, p.Gln554Ter (NM_001370260.2, NM_001370261.2, NM_130799.3); c.1555C>T, p.Gln519Ter (NM_001370262.2, NM_001370263.2); short protein forms Q554*, Q559*, Q519*, Q596*.
Identifiers: ClinVar variation 200988 (VCV000200988.16), dbSNP rs794728631, ClinGen allele CA009272.

ClinVar aggregate classification (germline): Pathogenic. Review status: criteria provided, multiple submitters, no conflicts (2 of 4 stars). 3 submissions from 3 submitters: Pathogenic (3). Last evaluated 2024-06-27.

Conditions:
Hereditary cancer-predisposing syndrome. Also called: Hereditary Cancer Syndrome; Tumor predisposition; Hereditary neoplastic syndrome; Neoplastic Syndromes, Hereditary. Identifiers: Orphanet 140162, MedGen C0027672, MeSH D009386, MONDO:0015356.
Multiple endocrine neoplasia, type 1 (MEN1). Also called: MEA I; MEN I; WERMER SYNDROME; Endocrine adenomatosis multiple; MEN 1. Identifiers: Orphanet 652, MedGen C0025267, MeSH D018761, MONDO:0007540, OMIM 131100.

Submissions (3):

Ambry Genetics
Classification: Pathogenic for Hereditary cancer-predisposing syndrome. Last evaluated: 2024-06-27. Review status: criteria provided, single submitter. Criteria: Ambry Variant Classification Scheme 2023. Collection method: clinical testing. Allele origin: germline.
Comment: The p.Q554* pathogenic mutation (also known as c.1660C>T), located in coding exon 9 of the MEN1 gene, results from a C to T substitution at nucleotide position 1660. This changes the amino acid from a glutamine to a stop codon within coding exon 9. This alteration occurs at the 3' terminus of theMEN1 gene, is not expected to trigger nonsense-mediated mRNA decay, and only impacts the last 9.3% of the protein. However, premature stop codons are typically deleterious in nature and a significant portion of the protein is affected (Ambry internal data). This variant has been observed in multiple individuals with a personal and/or family history that is consistent with multiple endocrine neoplasia type 1 (Langer P et al. Br. J. Surg. 2001 Oct;88(10):1403-7; Kann PH et al. Endocr. Relat. Cancer. 2006 Dec;13(4):1195-202; Schaaf L et al. Exp. Clin. Endocrinol. Diabetes 2007 Sep;115(8):509-17; Ambry internal data). This variant is considered to be rare based on population cohorts in the Genome Aggregation Database (gnomAD). Based on the supporting evidence, this variant is interpreted as a disease-causing mutation.

Labcorp Genetics (formerly Invitae), Labcorp
Classification: Pathogenic for Multiple endocrine neoplasia, type 1. Last evaluated: 2023-08-24. Review status: criteria provided, single submitter. Criteria: Invitae Variant Classification Sherloc (09022015). Collection method: clinical testing. Allele origin: germline.
Comment: ClinVar contains an entry for this variant (Variation ID: 200988). This variant is also known as c.1770C>T. This premature translational stop signal has been observed in individual(s) with clinical features of multiple endocrine neoplasia type 1 (MEN 1) (PMID: 11578300, 17158764, 17853334, 28321559). This variant is not present in population databases (gnomAD no frequency). This sequence change creates a premature translational stop signal (p.Gln554*) in the MEN1 gene. While this is not anticipated to result in nonsense mediated decay, it is expected to disrupt the last 57 amino acid(s) of the MEN1 protein. For these reasons, this variant has been classified as Pathogenic. This variant disrupts the p.Ser555 amino acid residue in MEN1. Other variant(s) that disrupt this residue have been determined to be pathogenic (Invitae). This suggests that this residue is clinically significant, and that variants that disrupt this residue are likely to be disease-causing.

GeneDx
Classification: Pathogenic. Last evaluated: 2015-06-29. Review status: criteria provided, single submitter. Criteria: GeneDx Variant Classification (06012015). Collection method: clinical testing. Allele origin: germline. Affected: yes.
Comment: The Q554X nonsense mutation in the MEN1 gene has been reported previously in association with multiple endocrine neoplasia type 1 (Langer et al., 2001). This mutation is predicted to delete the last 57 amino acids of the protein, causing loss of normal protein function through protein truncation. The variant is found in MEN1 panel(s).

Literature cited by the submitters: PubMed 11578300 (cited by Labcorp Genetics (formerly Invitae), Labcorp); PubMed 17158764 (cited by Labcorp Genetics (formerly Invitae), Labcorp); PubMed 17853334 (cited by Labcorp Genetics (formerly Invitae), Labcorp); PubMed 28321559 (cited by Labcorp Genetics (formerly Invitae), Labcorp).